The following is an entry in ClinVar:

NM_021224.6(ZNF462):c.805A>G (p.Met269Val)

Gene: ZNF462 (zinc finger protein 462; plus strand). Cytogenetic location: 9q31.2.
Variant type: single nucleotide variant.
Coding change: c.805A>G on transcript NM_021224.6 (MANE Select); coding-DNA position 805, A replaced by G.
Protein change: p.Met269Val; replaces methionine 269 with valine.
Molecular consequence: missense variant.
Genome position (GRCh38, 1-based): chr9:106,924,717, A>G. VCF-style: chr9-106924717-A-G. GRCh37 (hg19) VCF-style: chr9-109686998-A-G.
Other names: c.805A>G, p.Met269Val (NM_001347997.2); short protein forms M269V.
Identifiers: ClinVar variation 1309921 (VCV001309921.2), dbSNP rs2131446280, ClinGen allele CA374383191.

ClinVar aggregate classification (germline): Uncertain significance (1 of 4 stars; one submission).

Submission:

GeneDx
Classification: Uncertain significance. Last evaluated: 2019-11-04. Review status: criteria provided, single submitter. Criteria: GeneDx Variant Classification Process June 2021. Collection method: clinical testing. Allele origin: germline. Affected: yes.
Comment: Has not been previously published as pathogenic or benign to our knowledge; Not observed in large population cohorts (Lek et al., 2016); In silico analysis, which includes protein predictors and evolutionary conservation, supports that this variant does not alter protein structure/function